The following is an entry in ClinVar:

ClinVar aggregate classification (germline): Pathogenic (1 of 4 stars; one submission).

Conditions:
Developmental and epileptic encephalopathy, 2 (DEE2). Also called: CDKL5 deficiency disorder; INFANTILE SPASM SYNDROME, X-LINKED 2. Identifiers: Orphanet 1934, Orphanet 3451, Orphanet 505652, MedGen C4750718, MONDO:0010396, OMIM 300672.

Submission:

Genomic Medicine, Universita Cattolica del Sacro Cuore
Classification: Pathogenic for Developmental and epileptic encephalopathy, 2. Last evaluated: 2020-10-07. Review status: criteria provided, single submitter. Criteria: ACMG Guidelines, 2015. Collection method: clinical testing. Allele origin: de novo. Inheritance: Sporadic. Affected: yes. Observed: 1 heterozygote.
Comment: The c.1103dupA variant in CDKL5(NM_003159.2): 1) is predicted to result in a null allele (frameshift with expected loss of function), in a gene where LOF is a known mechanism of disease (PVS1 of the ACMG criteria); 3) was not found in gnomAD database (PM2).

NM_001323289.2(CDKL5):c.1103dup (p.Asn368fs)

Gene: CDKL5 (cyclin dependent kinase like 5; plus strand). Cytogenetic location: Xp22.13.
Variant type: Duplication.
Coding change: c.1103dup on transcript NM_001323289.2 (MANE Select); coding-DNA position 1103, one base duplicated (A; older notation c.1103dupA).
Protein change: p.Asn368fs; shifts the reading frame from asparagine 368.
Molecular consequence: frameshift variant.
Genome position (GRCh38, 1-based): chrX:18,604,027, A duplicated; the last of 3 consecutive A bases (chrX:18,604,025-18,604,027); duplicating any one gives the same sequence. VCF-style (leftmost placement, unchanged base first): chrX-18604024-T-TA. GRCh37 (hg19) VCF-style: chrX-18622144-T-TA.
Other names: c.1103dup, p.Asn368fs (NM_001037343.2, NM_003159.3); short protein forms N368fs.
Identifiers: ClinVar variation 981157 (VCV000981157.2), dbSNP rs1926262196, ClinGen allele CA1139667244.